The following is an entry in ClinVar:

ClinVar aggregate classification (germline): Uncertain significance (1 of 4 stars; one submission).

Conditions:
Glycine encephalopathy. Also called: Nonketotic hyperglycinemia; Non-ketotic hyperglycinemia. Identifiers: Orphanet 407, MedGen C0751748, MONDO:0011612, HP:0008288.

Submission:

Labcorp Genetics (formerly Invitae), Labcorp
Classification: Uncertain significance for Glycine encephalopathy. Last evaluated: 2022-06-05. Review status: criteria provided, single submitter. Criteria: Invitae Variant Classification Sherloc (09022015). Collection method: clinical testing. Allele origin: germline.
Comment: This sequence change replaces glycine, which is neutral and non-polar, with tryptophan, which is neutral and slightly polar, at codon 674 of the GLDC protein (p.Gly674Trp). This variant is not present in population databases (gnomAD no frequency). This variant has not been reported in the literature in individuals affected with GLDC-related conditions. ClinVar contains an entry for this variant (Variation ID: 1509390). Advanced modeling of protein sequence and biophysical properties (such as structural, functional, and spatial information, amino acid conservation, physicochemical variation, residue mobility, and thermodynamic stability) performed at Invitae indicates that this missense variant is expected to disrupt GLDC protein function. In summary, the available evidence is currently insufficient to determine the role of this variant in disease. Therefore, it has been classified as a Variant of Uncertain Significance.

NM_000170.3(GLDC):c.2020G>T (p.Gly674Trp)

Gene: GLDC (glycine decarboxylase; minus strand). Cytogenetic location: 9p24.1.
Variant type: single nucleotide variant.
Coding change: c.2020G>T on transcript NM_000170.3 (MANE Select); coding-DNA position 2020, G replaced by T.
Protein change: p.Gly674Trp; replaces glycine 674 with tryptophan.
Molecular consequence: missense variant.
Genome position (GRCh38, 1-based): chr9:6,558,591, C>A on the plus strand (G>T on the coding strand, the complement: GLDC is on the minus strand). VCF-style: chr9-6558591-C-A. GRCh37 (hg19) VCF-style: chr9-6558591-C-A.
Other names: short protein forms G674W.
Identifiers: ClinVar variation 1509390 (VCV001509390.12), dbSNP rs2129734932, ClinGen allele CA372881864.